The following is an entry in ClinVar:

NM_022114.4(PRDM16):c.1599G>A (p.Ser533=)

Gene: PRDM16 (PR/SET domain 16; plus strand). Cytogenetic location: 1p36.32.
Variant type: single nucleotide variant.
Coding change: c.1599G>A on transcript NM_022114.4 (MANE Select); coding-DNA position 1599, G replaced by A.
Protein change: p.Ser533=; no amino-acid change (serine 533 retained).
Molecular consequence: synonymous variant.
Genome position (GRCh38, 1-based): chr1:3,411,796, G>A. VCF-style: chr1-3411796-G-A. GRCh37 (hg19) VCF-style: chr1-3328360-G-A.
Other names: c.1599G>A, p.Ser533= (NM_199454.3).
Identifiers: ClinVar variation 413858 (VCV000413858.15), dbSNP rs373205864, ClinGen allele CA544233.
Genomic context (GRCh38, chr1:3,411,796, plus strand): 5'-CTTCCCGGGCATCTTCCCTCCATCCTTGTACCCCCGGCCGCCTCTGCTACCTCCCACATC[G>A]CTGCTCAAGAGCCCCCTGAACCACACCCAGGACGCCAAGCTCCCCAGTCCCCTGGGGAAC-3'
Protein context (NP_071397.3, residues 523-543): YPRPPLLPPT[Ser533=]LLKSPLNHTQ

ClinVar aggregate classification (germline): Benign/Likely benign. Review status: criteria provided, multiple submitters, no conflicts (2 of 4 stars). 5 submissions from 5 submitters: Benign (1); Likely benign (4). Last evaluated 2026-02-03.

Conditions:
PRDM16-related disorder. Also called: PRDM16-related condition.
Left ventricular noncompaction 8 (LVNC8). Identifiers: Orphanet 154, Orphanet 54260, MedGen C3809288, MONDO:0014152, OMIM 615373.

Allele frequency attached by ClinVar (database versions not stated): gnomAD exomes 0.00013; 1000 Genomes Project 30x 0.00016; ExAC 0.00017; 1000 Genomes Project 0.00020; gnomAD 0.00054 and 0.00059; TOPMed 0.00056; ESP Exome Variant Server 0.00066.
gnomAD v4.1: 217 of 1,611,442 alleles (0.013%); highest among the groups gnomAD compares: African/African-American, 0.19%; 1 homozygote.

Submissions (5):

Labcorp Genetics (formerly Invitae), Labcorp
Classification: Benign for Left ventricular noncompaction 8. Last evaluated: 2026-02-03. Review status: criteria provided, single submitter. Criteria: Invitae Variant Classification Sherloc (09022015). Collection method: clinical testing. Allele origin: germline.

PreventionGenetics, part of Exact Sciences
Classification: Likely benign for PRDM16-related condition. Last evaluated: 2024-10-14. Review status: criteria provided, single submitter. Criteria: ACMG Guidelines, 2015. Collection method: clinical testing. Allele origin: germline.
Comment: This variant is classified as likely benign based on ACMG/AMP sequence variant interpretation guidelines (Richards et al. 2015 PMID: 25741868, with internal and published modifications).

Blueprint Genetics
Classification: Likely benign. Last evaluated: 2024-01-25. Review status: criteria provided, single submitter. Criteria: ACMG Guidelines, 2015. Collection method: clinical testing. Allele origin: germline.

Fulgent Genetics
Classification: Likely benign for Left ventricular noncompaction 8. Last evaluated: 2021-09-01. Review status: criteria provided, single submitter. Criteria: ACMG Guidelines, 2015. Collection method: clinical testing. Allele origin: unknown.

GeneDx
Classification: Likely benign. Last evaluated: 2017-08-24. Review status: criteria provided, single submitter. Criteria: GeneDx Variant Classification (06012015). Collection method: clinical testing. Allele origin: germline. Affected: yes.
Comment: This variant is considered likely benign or benign based on one or more of the following criteria: it is a conservative change, it occurs at a poorly conserved position in the protein, it is predicted to be benign by multiple in silico algorithms, and/or has population frequency not consistent with disease.